The following is an entry in ClinVar:

NM_001195263.2(PDZD7):c.287G>T (p.Arg96Met)

Gene: PDZD7 (PDZ domain containing 7; minus strand). Cytogenetic location: 10q24.31.
Variant type: single nucleotide variant.
Coding change: c.287G>T on transcript NM_001195263.2 (MANE Select); coding-DNA position 287, G replaced by T.
Protein change: p.Arg96Met; replaces arginine 96 with methionine.
Molecular consequence: missense variant.
Genome position (GRCh38, 1-based): chr10:101,024,008, C>A on the plus strand (G>T on the coding strand, the complement: PDZD7 is on the minus strand). VCF-style: chr10-101024008-C-A. GRCh37 (hg19) VCF-style: chr10-102783765-C-A.
Other names: c.287G>T, p.Arg96Met (NM_001351044.2, NM_024895.5); short protein forms R96M.
Identifiers: ClinVar variation 869469 (VCV000869469.3), dbSNP rs758884514, ClinGen allele CA5654455.

ClinVar aggregate classification (germline): Uncertain significance (1 of 4 stars; one submission).

Conditions:
Hearing loss, autosomal recessive 57. Also called: DEAFNESS, AUTOSOMAL RECESSIVE 57. Identifiers: MedGen C4693893, MONDO:0033201, OMIM 618003.

Allele frequency attached by ClinVar (database versions not stated): gnomAD exomes below 0.00001; ExAC 0.00001.
gnomAD v4.1: 1 of 1,614,270 alleles (0.000062%); no homozygotes.

Submission:

Victorian Clinical Genetics Services, Murdoch Childrens Research Institute
Classification: Uncertain significance for Hearing loss, autosomal recessive 57. Last evaluated: 2018-09-12. Review status: criteria provided, single submitter. Criteria: ACMG Guidelines, 2015. Collection method: clinical testing. Allele origin: unknown. Affected: yes.
Comment: A heterozygous missense variant, NM_001195263.1(PDZD7):c.287G>T, has been identified in exon 3 of 17 of the PDZD7 gene. The variant is predicted to result in a moderate amino acid change from arginine to methionine at position 96 of the protein (NP_001182192.1(PDZD7):p.(Arg96Met)). The arginine residue at this position has low conservation (100 vertebrates, UCSC),but is located within the PDZ functional domain. In silico predictions for this variant are consistently pathogenic (Polyphen, SIFT, CADD, Mutation Taster). The variant is present in the gnomAD database at a frequency of 0.0004% (1 heterozygote, 0 homozygotes). This variant has not been previously reported in clinical cases. Based on the information available at the time of curation, this variant has been classified as a VARIANT of UNCERTAIN SIGNIFICANCE (VUS).